The following is an entry in ClinVar:

ClinVar aggregate classification (germline): Uncertain significance. Review status: criteria provided, multiple submitters, no conflicts (2 of 4 stars). 2 submissions from 2 submitters: Uncertain significance (2). Last evaluated 2025-12-24.

Conditions:
Gastrointestinal stromal tumor. Also called: Gastrointestinal stroma tumor; Gastrointestinal stromal tumor, somatic. Identifiers: Orphanet 44890, MedGen C0238198, MeSH D046152, MONDO:0011719, OMIM 606764, HP:0100723.
Hereditary cancer-predisposing syndrome. Also called: Tumor predisposition; Hereditary neoplastic syndrome; Neoplastic Syndromes, Hereditary; Hereditary Cancer Syndrome. Identifiers: Orphanet 140162, MedGen C0027672, MeSH D009386, MONDO:0015356.

gnomAD v4.1: 5 of 1,607,772 alleles (0.00031%); highest among the groups gnomAD compares: Non-Finnish European, 0.00043%; no homozygotes.

Submissions (2):

Labcorp Genetics (formerly Invitae), Labcorp
Classification: Uncertain significance for Gastrointestinal stromal tumor. Last evaluated: 2025-12-24. Review status: criteria provided, single submitter. Criteria: Invitae Variant Classification Sherloc (09022015). Collection method: clinical testing. Allele origin: germline.
Comment: This sequence change replaces glutamine, which is neutral and polar, with glutamic acid, which is acidic and polar, at codon 551 of the PDGFRA protein (p.Gln551Glu). This variant is present in population databases (rs770950644, gnomAD 0.0009%). This variant has not been reported in the literature in individuals affected with PDGFRA-related conditions. ClinVar contains an entry for this variant (Variation ID: 459015). An algorithm developed to predict the effect of missense changes on protein structure and function (PolyPhen-2) suggests that this variant is likely to be disruptive. Algorithms developed to predict the effect of sequence changes on RNA splicing suggest that this variant may disrupt the consensus splice site. In summary, the available evidence is currently insufficient to determine the role of this variant in disease. Therefore, it has been classified as a Variant of Uncertain Significance.

Ambry Genetics
Classification: Uncertain significance for Hereditary cancer-predisposing syndrome. Last evaluated: 2025-01-20. Review status: criteria provided, single submitter. Criteria: Ambry Variant Classification Scheme 2023. Collection method: clinical testing. Allele origin: germline.
Comment: The p.Q551E variant (also known as c.1651C>G), located in coding exon 10 of the PDGFRA gene, results from a C to G substitution at nucleotide position 1651. The glutamine at codon 551 is replaced by glutamic acid, an amino acid with highly similar properties. This amino acid position is well conserved in available vertebrate species. In addition, this alteration is predicted to be deleterious by in silico analysis. Based on the available evidence, the clinical significance of this variant remains unclear.

NM_006206.6(PDGFRA):c.1651C>G (p.Gln551Glu)

Gene: PDGFRA (platelet derived growth factor receptor alpha; plus strand). Cytogenetic location: 4q12.
Variant type: single nucleotide variant.
Coding change: c.1651C>G on transcript NM_006206.6 (MANE Select); coding-DNA position 1651, C replaced by G.
Protein change: p.Gln551Glu; replaces glutamine 551 with glutamic acid.
Molecular consequence: missense variant.
Genome position (GRCh38, 1-based): chr4:54,274,623, C>G. VCF-style: chr4-54274623-C-G. GRCh37 (hg19) VCF-style: chr4-55140790-C-G.
Other names: c.1651C>G, p.Gln551Glu (NM_001347827.2, NM_001347829.2); c.1726C>G, p.Gln576Glu (NM_001347828.2); c.1690C>G, p.Gln564Glu (NM_001347830.2); short protein forms Q551E, Q576E, Q564E.
Identifiers: ClinVar variation 459015 (VCV000459015.11), dbSNP rs770950644, ClinGen allele CA2922634.